The following is an entry in ClinVar:

NC_000009.11:g.(?_95477703)_(95479326_?)del

Gene: BICD2 (BICD cargo adaptor 2; minus strand). Cytogenetic location: 9q22.31.
Variant type: Deletion.
Identifiers: ClinVar variation 3245258 (VCV003245258.1).

ClinVar aggregate classification (germline): Uncertain significance (1 of 4 stars; one submission).

Conditions:
Autosomal dominant childhood-onset proximal spinal muscular atrophy with contractures (SMALED2A). Also called: SPINAL MUSCULAR ATROPHY, LOWER EXTREMITY-PREDOMINANT, 2A, CHILDHOOD ONSET, AUTOSOMAL DOMINANT; Spinal muscular atrophy, lower extremity-predominant, 2A, autosomal dominant. Identifiers: Orphanet 363447, Orphanet 363454, MedGen C4747715, MONDO:0014121, OMIM 615290.

Submission:

Labcorp Genetics (formerly Invitae), Labcorp
Classification: Uncertain significance for Autosomal dominant childhood-onset proximal spinal muscular atrophy with contractures. Last evaluated: 2019-09-19. Review status: criteria provided, single submitter. Criteria: Invitae Variant Classification Sherloc (09022015). Collection method: clinical testing. Allele origin: unknown.
Comment: In summary, the available evidence is currently insufficient to determine the role of this variant in disease. Therefore, it has been classified as a Variant of Uncertain Significance. Experimental studies and prediction algorithms are not available for this variant, and the functional significance of the affected amino acid(s) is currently unknown. This variant has not been reported in the literature in individuals with BICD2-related conditions. This variant is a deletion of the genomic region encompassing part of exon 7 (c.2258+753_2301del) of the BICD2 gene. While this is not anticipated to result in nonsense mediated decay, it likely alters RNA splicing and results in a disrupted protein product.